The following is an entry in ClinVar:

NM_001267550.2(TTN):c.101743G>T (p.Glu33915Ter)

Genes: TTN (titin; minus strand), TTN-AS1 (TTN antisense RNA 1; plus strand). Cytogenetic location: 2q31.2.
Variant type: single nucleotide variant.
Coding change: c.101743G>T on transcript NM_001267550.2 (MANE Select); coding-DNA position 101743, G replaced by T.
Protein change: p.Glu33915Ter; replaces glutamic acid 33915 with a stop codon.
Molecular consequence: nonsense.
Genome position (GRCh38, 1-based): chr2:178,534,872, C>A on the plus strand (G>T on the coding strand, the complement: TTN is on the minus strand). VCF-style: chr2-178534872-C-A. GRCh37 (hg19) VCF-style: chr2-179399599-C-A.
Other names: c.96820G>T, p.Glu32274Ter (NM_001256850.1); c.74548G>T, p.Glu24850Ter (NM_003319.4); c.94039G>T, p.Glu31347Ter (NM_133378.4); c.74923G>T, p.Glu24975Ter (NM_133432.3); c.75124G>T, p.Glu25042Ter (NM_133437.4); short protein forms E24850*, E24975*, E25042*, E31347*, E32274*, E33915*.
Identifiers: ClinVar variation 4796617 (VCV004796617.4).
Genomic context (GRCh38, chr2:178,534,872, plus strand): 5'-TATTATGACTGTGTAAAAACTGAAGTGCTTCACAGACCTGGTGAACATAACTTACAATTT[C>A]TCTTTCATTAAGTTCAAAAGCACTTGTGTTAATGCGCTCAAATATGTCAAGTCCTGATAT-3'

ClinVar aggregate classification (germline): Likely pathogenic. Review status: criteria provided, multiple submitters, no conflicts (2 of 4 stars). 2 submissions from 2 submitters: Likely pathogenic (2). Last evaluated 2024-08-06.

Conditions:
Myopathy, myofibrillar, 9, with early respiratory failure (MFM9). Also called: Hereditary myopathy with early respiratory failure; EDSTROM MYOPATHY; MYOPATHY, PROXIMAL, WITH EARLY RESPIRATORY MUSCLE INVOLVEMENT; Myopathy, distal, with early respiratory failure, autosomal dominant. Identifiers: Orphanet 178464, Orphanet 34521, MedGen C1863599, MONDO:0011362, OMIM 603689.
Early-onset myopathy with fatal cardiomyopathy (CMYO5). Also called: Salih Myopathy; CONGENITAL MYOPATHY 5 WITH CARDIOMYOPATHY. Identifiers: Orphanet 289377, MedGen C2673677, MONDO:0012714, OMIM 611705. Disease mechanism: loss of function.
Dilated cardiomyopathy 1G (CMD1G). Identifiers: Orphanet 154, MedGen C1858763, MONDO:0011400, OMIM 604145.
Autosomal recessive limb-girdle muscular dystrophy type 2J (LGMDR10). Also called: Limb-girdle muscular dystrophy, type 2J; MUSCULAR DYSTROPHY, LIMB-GIRDLE, AUTOSOMAL RECESSIVE 10. Identifiers: Orphanet 140922, MedGen C1837342, MONDO:0012127, OMIM 608807.
Tibial muscular dystrophy (TMD). Also called: UDD MYOPATHY; Tibial muscular dystrophy, tardive; Udd Distal Myopathy – Tibial Muscular Dystrophy. Identifiers: Orphanet 609, MedGen C1838244, MONDO:0010870, OMIM 600334.
Hypertrophic cardiomyopathy 9. Also called: Familial hypertrophic cardiomyopathy 9. Identifiers: MedGen C1861065, MONDO:0013412, OMIM 613765.

Submissions (2):

Dasa
Classification: Likely pathogenic. Last evaluated: 2024-08-06. Review status: criteria provided, single submitter. Criteria: DASA Assertion Criteria. Collection method: clinical testing. Allele origin: germline.
Comment: NM_001267550.2(TTN):c.101743G>T (p.Glu33915*) is a nonsense variant in TTN predicted to introduce a premature termination codon and is predicted to result in an absent or altered protein product. Loss of function is an established disease mechanism for TTN-associated disorders. Also, this variant is absent from population databases. Based on the currently available evidence, this variant is classified as likely pathogenic.

Juno Genomics, Hangzhou Juno Genomics, Inc
Classification: Likely pathogenic for Early-onset myopathy with fatal cardiomyopathy; Dilated cardiomyopathy 1G; Hypertrophic cardiomyopathy 9; Autosomal recessive limb-girdle muscular dystrophy type 2J; Myopathy, myofibrillar, 9, with early respiratory failure; Tibial muscular dystrophy. Review status: criteria provided, single submitter. Criteria: ACMG Guidelines, 2015. Collection method: clinical testing. Allele origin: germline.
Comment: Absent from controls (or at extremely low frequency if recessive) in Genome Aggregation Database.;Null variant in a gene where loss of function (LOF) is a known mechanism of disease.